The following is an entry in ClinVar:

ClinVar aggregate classification (germline): Uncertain significance (1 of 4 stars; one submission).

Conditions:
Hereditary cancer-predisposing syndrome. Also called: Hereditary Cancer Syndrome; Hereditary neoplastic syndrome; Tumor predisposition; Neoplastic Syndromes, Hereditary. Identifiers: Orphanet 140162, MedGen C0027672, MeSH D009386, MONDO:0015356.

Submission:

Ambry Genetics
Classification: Uncertain significance for Hereditary cancer-predisposing syndrome. Last evaluated: 2021-03-13. Review status: criteria provided, single submitter. Criteria: Ambry Variant Classification Scheme 2023. Collection method: clinical testing. Allele origin: germline.
Comment: The p.T827K variant (also known as c.2480C>A), located in coding exon 5 of the PALB2 gene, results from a C to A substitution at nucleotide position 2480. The threonine at codon 827 is replaced by lysine, an amino acid with similar properties. This amino acid position is not well conserved in available vertebrate species. In addition, this alteration is predicted to be tolerated by in silico analysis. Since supporting evidence is limited at this time, the clinical significance of this alteration remains unclear.

NM_024675.4(PALB2):c.2480C>A (p.Thr827Lys)

Gene: PALB2 (partner and localizer of BRCA2; minus strand). Cytogenetic location: 16p12.2.
Variant type: single nucleotide variant.
Coding change: c.2480C>A on transcript NM_024675.4 (MANE Select); coding-DNA position 2480, C replaced by A.
Protein change: p.Thr827Lys; replaces threonine 827 with lysine.
Molecular consequence: missense variant.
Genome position (GRCh38, 1-based): chr16:23,629,674, G>T on the plus strand (C>A on the coding strand, the complement: PALB2 is on the minus strand). VCF-style: chr16-23629674-G-T. GRCh37 (hg19) VCF-style: chr16-23640995-G-T.
Other names: c.2420C>A, p.Thr807Lys (NM_001407296.1); c.2480C>A, p.Thr827Lys (NM_001407297.1, NM_001407298.1, NM_001407299.1 and 3 more transcripts); c.1595C>A, p.Thr532Lys (NM_001407304.1, NM_001407305.1, NM_001407306.1 and 5 more transcripts); c.692C>A, p.Thr231Lys (NM_001407312.1, NM_001407313.1); short protein forms T532K, T827K, T807K, T231K.
Identifiers: ClinVar variation 1791911 (VCV001791911.2), dbSNP rs1597088802, ClinGen allele CA395124039.